The following is an entry in ClinVar:

ClinVar aggregate classification (germline): Uncertain significance. Review status: criteria provided, multiple submitters, no conflicts (2 of 4 stars). 2 submissions from 2 submitters: Uncertain significance (2). Last evaluated 2025-05-05.

Conditions:
Hereditary nonpolyposis colorectal neoplasms. Identifiers: MedGen C0009405, MeSH D003123.
Hereditary cancer-predisposing syndrome. Also called: Neoplastic Syndromes, Hereditary; Hereditary Cancer Syndrome; Tumor predisposition; Hereditary neoplastic syndrome. Identifiers: Orphanet 140162, MedGen C0027672, MeSH D009386, MONDO:0015356.

Submissions (2):

Spanish MMR Variant Interpretation Working Group
Classification: Uncertain significance for Hereditary cancer-predisposing syndrome. Last evaluated: 2025-05-05. Review status: criteria provided, single submitter. Criteria: ClinGen CRC ACMG Specifications PMS2 V1.0.0. Collection method: clinical testing. Allele origin: germline. Affected: yes.
Comment: The PMS2 variant c.614A>T replaces glutamine with leucine at codon 205 of the PMS2 protein, p.(Gln205Leu). The glutamine residue is moderately conserved, and there is a moderate physicochemical difference between glutamine and leucine. This variant is absent from the gnomAD v4.1.0 database (PM2_P). The SpliceAI algorithm predicts no significant impact on splicing. It is a missense variant with a MAPP+PolyPhen-2 prior probability of pathogenicity of >0.81 (PP3_M). There are no other described missense variants classified as Class 4/5 by InSiGHT located at the same residue. To our current knowledge, no functional assays have been reported for this variant. Based on the available evidence, this variant is classified as a Variant of Uncertain Significance (Class 3).

Labcorp Genetics (formerly Invitae), Labcorp
Classification: Uncertain significance for Hereditary nonpolyposis colorectal neoplasms. Last evaluated: 2021-08-31. Review status: criteria provided, single submitter. Criteria: Invitae Variant Classification Sherloc (09022015). Collection method: clinical testing. Allele origin: germline.
Comment: This sequence change replaces glutamine with leucine at codon 205 of the PMS2 protein (p.Gln205Leu). The glutamine residue is moderately conserved and there is a moderate physicochemical difference between glutamine and leucine. This variant is not present in population databases (ExAC no frequency). This variant has not been reported in the literature in individuals affected with PMS2-related conditions. Algorithms developed to predict the effect of missense changes on protein structure and function (SIFT, PolyPhen-2, Align-GVGD) all suggest that this variant is likely to be disruptive. This variant disrupts the p.Gln205 amino acid residue in PMS2. Other variant(s) that disrupt this residue have been determined to be pathogenic (PMID: 2402700, 18602922, 25980754, 27435373). This suggests that this residue is clinically significant, and that variants that disrupt this residue are likely to be disease-causing. In summary, the available evidence is currently insufficient to determine the role of this variant in disease. Therefore, it has been classified as a Variant of Uncertain Significance.

Literature cited by the submitters: PubMed 2402700 (cited by Labcorp Genetics (formerly Invitae), Labcorp); PubMed 18602922 (cited by Labcorp Genetics (formerly Invitae), Labcorp); PubMed 25980754 (cited by Labcorp Genetics (formerly Invitae), Labcorp); PubMed 27435373 (cited by Labcorp Genetics (formerly Invitae), Labcorp).

NM_000535.7(PMS2):c.614A>T (p.Gln205Leu)

Gene: PMS2 (PMS1 homolog 2, mismatch repair system component; minus strand). Cytogenetic location: 7p22.1.
Variant type: single nucleotide variant.
Coding change: c.614A>T on transcript NM_000535.7 (MANE Select); coding-DNA position 614, A replaced by T.
Protein change: p.Gln205Leu; replaces glutamine 205 with leucine.
Molecular consequence: missense variant. On other transcripts: 5 prime UTR variant (2), non-coding transcript variant (1), intron variant (1).
Genome position (GRCh38, 1-based): chr7:5,999,199, T>A on the plus strand (A>T on the coding strand, the complement: PMS2 is on the minus strand). VCF-style: chr7-5999199-T-A. GRCh37 (hg19) VCF-style: chr7-6038830-T-A.
Other names: c.209A>T, p.Gln70Leu (NM_001322003.2, NM_001322004.2, NM_001322005.2 and 2 more transcripts); c.614A>T, p.Gln205Leu (NM_001322006.2, NM_001322014.2); c.296A>T, p.Gln99Leu (NM_001322007.2, NM_001322008.2); c.-320A>T (NM_001322011.2, NM_001322012.2); c.305A>T, p.Gln102Leu (NM_001322015.2); c.133-1776A>T (NM_001322013.2); short protein forms Q102L, Q99L, Q70L, Q205L.
Identifiers: ClinVar variation 1472226 (VCV001472226.7), dbSNP rs587779342, ClinGen allele CA366743980.